The following is an entry in ClinVar:

ClinVar aggregate classification (germline): Uncertain significance (1 of 4 stars; one submission).

Conditions:
Hereditary cancer-predisposing syndrome. Also called: Hereditary Cancer Syndrome; Hereditary neoplastic syndrome; Neoplastic Syndromes, Hereditary; Tumor predisposition. Identifiers: Orphanet 140162, MedGen C0027672, MeSH D009386, MONDO:0015356.

Submission:

Ambry Genetics
Classification: Uncertain significance for Hereditary cancer-predisposing syndrome. Last evaluated: 2025-06-10. Review status: criteria provided, single submitter. Criteria: Ambry Variant Classification Scheme 2023. Collection method: clinical testing. Allele origin: germline.
Comment: The p.E203K variant (also known as c.607G>A), located in coding exon 3 of the MSH6 gene, results from a G to A substitution at nucleotide position 607. The glutamic acid at codon 203 is replaced by lysine, an amino acid with similar properties. This amino acid position is well conserved in available vertebrate species. In addition, this alteration is predicted to be tolerated by in silico analysis. Based on the available evidence, the clinical significance of this variant remains unclear.

NM_000179.3(MSH6):c.607G>A (p.Glu203Lys)

Gene: MSH6 (mutS homolog 6; plus strand). Cytogenetic location: 2p16.3.
Variant type: single nucleotide variant.
Coding change: c.607G>A on transcript NM_000179.3 (MANE Select); coding-DNA position 607, G replaced by A.
Protein change: p.Glu203Lys; replaces glutamic acid 203 with lysine.
Molecular consequence: missense variant. On other transcripts: 5 prime UTR variant (2), non-coding transcript variant (5), intron variant (8).
Genome position (GRCh38, 1-based): chr2:47,796,043, G>A. VCF-style: chr2-47796043-G-A. GRCh37 (hg19) VCF-style: chr2-48023182-G-A.
Other names: c.-296G>A (NM_001281494.2); c.703G>A, p.Glu235Lys (NM_001406795.1, NM_001406802.1); c.607G>A, p.Glu203Lys (NM_001406796.1, NM_001406798.1, NM_001406800.1 and 5 more transcripts); c.310G>A, p.Glu104Lys (NM_001406797.1, NM_001406801.1, NM_001406805.1 and 10 more transcripts); c.82G>A, p.Glu28Lys (NM_001406799.1, NM_001406806.1, NM_001406807.1); c.529G>A, p.Glu177Lys (NM_001406804.1); c.613G>A, p.Glu205Lys (NM_001406813.1); c.-388G>A (NM_001406814.1); and 3 more; short protein forms E235K, E177K, E205K, E147K, E104K, E203K, E28K.
Identifiers: ClinVar variation 3913781 (VCV003913781.1).